The following is an entry in ClinVar:

NM_001393662.1(VCX):c.568G>A (p.Val190Met)

Gene: VCX (variable charge X-linked; plus strand). Cytogenetic location: Xp22.31.
Variant type: single nucleotide variant.
Coding change: c.568G>A on transcript NM_001393662.1 (MANE Select); coding-DNA position 568, G replaced by A.
Protein change: p.Val190Met; replaces valine 190 with methionine.
Molecular consequence: missense variant.
Genome position (GRCh38, 1-based): chrX:7,843,963, G>A. VCF-style: chrX-7843963-G-A. GRCh37 (hg19) VCF-style: chrX-7812004-G-A.
Other names: c.568G>A, p.Val190Met (NM_013452.3); short protein forms V190M.
Identifiers: ClinVar variation 2659919 (VCV002659919.24), dbSNP rs201876650, ClinGen allele CA10342632.
Genomic context (GRCh38, chrX:7,843,963, plus strand): 5'-GTGGAGGAACCACTGAGTCAGGAGAGCGAGATGGAAGAACCACTGAGTCAGGAGAGCCAG[G>A]TGGAGGAACCACCGAGTCAGGAGAGCGAGATGGAAGAACTACCGAGTGTGTAGACGGCCA-3'
Protein context (NP_001380591.1, residues 180-200): MEEPLSQESQ[Val190Met]EEPPSQESEM

ClinVar aggregate classification (germline): Likely benign (1 of 4 stars; one submission).

Allele frequency attached by ClinVar (database versions not stated): 1000 Genomes Project 0.00397; gnomAD 0.00425.

Submission:

CeGaT Center for Human Genetics Tuebingen
Classification: Likely benign. Last evaluated: 2023-01-01. Review status: criteria provided, single submitter. Criteria: CeGaT Center For Human Genetics Tuebingen Variant Classification Criteria Version 2. Collection method: clinical testing. Allele origin: germline. Affected: yes. Observed: 1 variant allele.
Comment: VCX: BP4, BS2